The following is an entry in ClinVar:

ClinVar aggregate classification (germline): Uncertain significance (1 of 4 stars; one submission).

Conditions:
Von Hippel-Lindau syndrome (VHLS). Also called: von Hippel–Lindau syndrome; VHL syndrome; Von Hippel-Lindau. Identifiers: Orphanet 892, MedGen C0019562, MONDO:0008667, OMIM 193300. Disease mechanism: loss of function.
Chuvash polycythemia. Also called: POLYCYTHEMIA, VHL-DEPENDENT. Identifiers: Orphanet 238557, MedGen C1837915, MONDO:0009892, OMIM 263400.

Allele frequency attached by ClinVar (database versions not stated): gnomAD 0.00001.
gnomAD v4.1: 1 of 152,382 alleles (0.00066%); highest among the groups gnomAD compares: Non-Finnish European, 0.0015%; no homozygotes.

Submission:

Labcorp Genetics (formerly Invitae), Labcorp
Classification: Uncertain significance for Von Hippel-Lindau syndrome; Chuvash polycythemia. Last evaluated: 2023-09-26. Review status: criteria provided, single submitter. Criteria: Invitae Variant Classification Sherloc (09022015). Collection method: clinical testing. Allele origin: germline.
Comment: In summary, the available evidence is currently insufficient to determine the role of this variant in disease. Therefore, it has been classified as a Variant of Uncertain Significance. Algorithms developed to predict the effect of sequence changes on RNA splicing suggest that this variant is not likely to affect RNA splicing. This variant has not been reported in the literature in individuals affected with VHL-related conditions. This variant is not present in population databases (gnomAD no frequency). This sequence change falls in intron 1 of the VHL gene. It is not expected to change the encoded amino acid sequence of the VHL protein. However, this sequence change falls within a cryptic exon in the VHL gene, known as exon E1’, which is naturally expressed at low levels in several human tissues (PMID: 29891534).

Literature cited by the submitters: PubMed 29891534.

NM_000551.4(VHL):c.340+818G>C

Genes: VHL (von Hippel-Lindau tumor suppressor; plus strand), LOC107303340 (3p25 von Hippel-Lindau tumor suppressor, E3 ubiquitin protein ligase Alu-mediated recombination region; plus strand). Cytogenetic location: 3p25.3.
Variant type: single nucleotide variant.
Coding change: c.340+818G>C on transcript NM_000551.4 (MANE Select); 818 bases into the intron after coding-DNA position 340, G replaced by C.
Molecular consequence: intron variant. On other transcripts: 3 prime UTR variant (1), non-coding transcript variant (1).
Genome position (GRCh38, 1-based): chr3:10,143,005, G>C. VCF-style: chr3-10143005-G-C. GRCh37 (hg19) VCF-style: chr3-10184689-G-C.
Other names: c.*1G>C (NM_001354723.2); c.340+818G>C (NM_198156.3).
Identifiers: ClinVar variation 2947436 (VCV002947436.3), dbSNP rs960959316, ClinGen allele CA2592313303.